The following is an entry in ClinVar:

NM_006514.4(SCN10A):c.3460T>C (p.Phe1154Leu)

Genes: SCN10A (sodium voltage-gated channel alpha subunit 10; minus strand), LOC110121288 (VISTA enhancer hs2268; plus strand). Cytogenetic location: 3p22.2.
Variant type: single nucleotide variant.
Coding change: c.3460T>C on transcript NM_006514.4 (MANE Select); coding-DNA position 3460, T replaced by C.
Protein change: p.Phe1154Leu; replaces phenylalanine 1154 with leucine.
Molecular consequence: missense variant.
Genome position (GRCh38, 1-based): chr3:38,722,305, A>G on the plus strand (T>C on the coding strand, the complement: SCN10A is on the minus strand). VCF-style: chr3-38722305-A-G. GRCh37 (hg19) VCF-style: chr3-38763796-A-G.
Other names: c.3457T>C, p.Phe1153Leu (NM_001293306.2); c.3166T>C, p.Phe1056Leu (NM_001293307.2); short protein forms F1153L, F1154L, F1056L.
Identifiers: ClinVar variation 3950885 (VCV003950885.1).

ClinVar aggregate classification (germline): Uncertain significance (1 of 4 stars; one submission).

Conditions:
Cardiovascular phenotype. Identifiers: MedGen CN230736.

Submission:

Ambry Genetics
Classification: Uncertain significance for Cardiovascular phenotype. Last evaluated: 2025-05-24. Review status: criteria provided, single submitter. Criteria: Ambry Variant Classification Scheme 2023. Collection method: clinical testing. Allele origin: germline.
Comment: The p.F1154L variant (also known as c.3460T>C), located in coding exon 19 of the SCN10A gene, results from a T to C substitution at nucleotide position 3460. The phenylalanine at codon 1154 is replaced by leucine, an amino acid with highly similar properties. This amino acid position is conserved. In addition, this alteration is predicted to be deleterious by in silico analysis. Based on the available evidence, the clinical significance of this variant remains unclear.